The following is an entry in ClinVar:

ClinVar aggregate classification (germline): Uncertain significance (1 of 4 stars; one submission).

Submission:

GeneDx
Classification: Uncertain significance. Last evaluated: 2026-02-05. Review status: criteria provided, single submitter. Criteria: GeneDx Variant Classification Process June 2021. Collection method: clinical testing. Allele origin: germline.
Comment: Not observed at significant frequency in large population cohorts (gnomAD); In silico analysis supports that this missense variant has a deleterious effect on protein structure/function; Has not been previously published as pathogenic or benign to our knowledge

NM_001429.4(EP300):c.4007A>G (p.Lys1336Arg)

Gene: EP300 (EP300 lysine acetyltransferase; plus strand). Cytogenetic location: 22q13.2.
Variant type: single nucleotide variant.
Coding change: c.4007A>G on transcript NM_001429.4 (MANE Select); coding-DNA position 4007, A replaced by G.
Protein change: p.Lys1336Arg; replaces lysine 1336 with arginine.
Molecular consequence: missense variant.
Genome position (GRCh38, 1-based): chr22:41,168,581, A>G. VCF-style: chr22-41168581-A-G. GRCh37 (hg19) VCF-style: chr22-41564585-A-G.
Other names: c.3929A>G, p.Lys1310Arg (NM_001362843.2); short protein forms K1310R, K1336R.
Identifiers: ClinVar variation 4975905 (VCV004975905.1).
Genomic context (GRCh38, chr22:41,168,581, plus strand): 5'-CTGAGTCAGGAGAGGTCACTGTTAGAGTAGTTCATGCTTCTGACAAAACCGTGGAAGTAA[A>G]ACCAGGCATGAAAGCAAGGTATCTAGTCATTTCACTTTTCTTCTCCTCGTGGATCCAAAA-3'
Protein context (NP_001420.2, residues 1326-1346): VHASDKTVEV[Lys1336Arg]PGMKARFVDS